The following is an entry in ClinVar:

ClinVar aggregate classification (germline): Uncertain significance (1 of 4 stars; one submission).

Conditions:
Xeroderma pigmentosum (XP). Identifiers: Orphanet 910, MedGen C0043346, MONDO:0019600.

Allele frequency attached by ClinVar (database versions not stated): gnomAD 0.00004; TOPMed 0.00006; ESP Exome Variant Server 0.00008.
gnomAD v4.1: 55 of 1,613,868 alleles (0.0034%); highest among the groups gnomAD compares: Admixed American, 0.0083%; no homozygotes.

Submission:

Sema4
Classification: Uncertain significance for Xeroderma pigmentosum. Last evaluated: 2021-08-17. Review status: criteria provided, single submitter. Criteria: Sema4 Curation Guidelines. Collection method: curation. Allele origin: germline.
Comment: The XPC c.2153G>A (p.R718Q) variant has not been reported in the literature to our knowledge. It was observed in 7/10356 chromosomes of the Ashkenazi Jewish subpopulation in the large and broad cohorts of the Genome Aggregation Database (PMID: 32461654). The variant has not been reported in ClinVar. Functional studies have not been performed, and in silico predictions of the variant's effect on protein function are inconclusive. The evidence is insufficient to meet ACMG/AMP criteria for classifying the variant as benign or pathogenic. Thus, the clinical significance of this variant is currently uncertain.

NM_004628.5(XPC):c.2153G>A (p.Arg718Gln)

Gene: XPC (XPC complex subunit, DNA damage recognition and repair factor; minus strand). Cytogenetic location: 3p25.1.
Variant type: single nucleotide variant.
Coding change: c.2153G>A on transcript NM_004628.5 (MANE Select); coding-DNA position 2153, G replaced by A.
Protein change: p.Arg718Gln; replaces arginine 718 with glutamine.
Molecular consequence: missense variant. On other transcripts: non-coding transcript variant (2).
Genome position (GRCh38, 1-based): chr3:14,148,911, C>T on the plus strand (G>A on the coding strand, the complement: XPC is on the minus strand). VCF-style: chr3-14148911-C-T. GRCh37 (hg19) VCF-style: chr3-14190411-C-T.
Other names: c.1574G>A, p.Arg525Gln (NM_001354726.2); c.2147G>A, p.Arg716Gln (NM_001354727.2); c.2135G>A, p.Arg712Gln (NM_001354729.2); c.1907G>A, p.Arg636Gln (NM_001354730.2); short protein forms R525Q, R636Q, R712Q, R716Q, R718Q.
Identifiers: ClinVar variation 1692822 (VCV001692822.1), dbSNP rs373308689, ClinGen allele CA2267241.